The following is an entry in ClinVar:

ClinVar aggregate classification (germline): Likely pathogenic (1 of 4 stars; one submission).

Conditions:
Retinitis pigmentosa 1 (RP1). Identifiers: Orphanet 791, MedGen C0220701, MONDO:0008377, OMIM 180100.

Submission:

Dasa
Classification: Likely pathogenic for Retinitis pigmentosa 1. Last evaluated: 2025-01-09. Review status: criteria provided, single submitter. Criteria: DASA Assertion Criteria. Collection method: clinical testing. Allele origin: germline.
Comment: NM_006269.2(RP1):c.1994dup (p.Leu665Phefs*33) is a frameshift variant in RP1 predicted to alter the reading frame and introduce a premature termination codon and is predicted to result in an absent or altered protein product. Loss of function is an established disease mechanism for RP1-associated disorders. Also, this variant is absent from population databases. Based on the currently available evidence, this variant is classified as likely pathogenic.

NM_006269.2(RP1):c.1994dup (p.Leu665fs)

Gene: RP1 (RP1 axonemal microtubule associated; plus strand). Cytogenetic location: 8q12.1.
Variant type: Duplication.
Coding change: c.1994dup on transcript NM_006269.2 (MANE Select); coding-DNA position 1994, one base duplicated (T; older notation c.1994dupT).
Protein change: p.Leu665fs; shifts the reading frame from leucine 665.
Molecular consequence: frameshift variant. On other transcripts: intron variant (1).
Genome position (GRCh38, 1-based): chr8:54,625,876, T duplicated; the last of 4 consecutive T bases (chr8:54,625,873-54,625,876); duplicating any one gives the same sequence. VCF-style (leftmost placement, unchanged base first): chr8-54625872-A-AT. GRCh37 (hg19) VCF-style: chr8-55538432-A-AT.
Other names: c.787+3588dup (NM_001375654.1); short protein forms L665fs.
Identifiers: ClinVar variation 4884270 (VCV004884270.2).
Genomic context (GRCh38, chr8:54,625,872, plus strand): 5'-AGACTAATTAATGAATTTGCTCAGTGTGGTTTAACAAAACTTCCAAAAAATGAAAAGAAG[A>AT]TTTTGTCATCTGTTGCCAGCAAAAAGAAGAAAAAATCTCGACAGCAAGCAATAAATTCCA-3'